The following is an entry in ClinVar:

NM_032776.3(JMJD1C):c.5087G>A (p.Arg1696His)

Gene: JMJD1C (jumonji domain containing 1C; minus strand). Cytogenetic location: 10q21.3.
Variant type: single nucleotide variant.
Coding change: c.5087G>A on transcript NM_032776.3 (MANE Select); coding-DNA position 5087, G replaced by A.
Protein change: p.Arg1696His; replaces arginine 1696 with histidine.
Molecular consequence: missense variant.
Genome position (GRCh38, 1-based): chr10:63,200,665, C>T on the plus strand (G>A on the coding strand, the complement: JMJD1C is on the minus strand). VCF-style: chr10-63200665-C-T. GRCh37 (hg19) VCF-style: chr10-64960425-C-T.
Other names: c.4541G>A, p.Arg1514His (NM_001282948.2, NM_001318154.2); c.4223G>A, p.Arg1408His (NM_001318153.2); c.4973G>A, p.Arg1658His (NM_001322252.2); c.4430G>A, p.Arg1477His (NM_001322254.2, NM_001322258.2); short protein forms R1408H, R1477H, R1696H, R1514H, R1658H.
Identifiers: ClinVar variation 5002296 (VCV005002296.1).

ClinVar aggregate classification (germline): Uncertain significance (1 of 4 stars; one submission).

Conditions:
JMJD1C-related disorder. Also called: JMJD1C-related condition.

gnomAD v4.1: 1 of 1,613,784 alleles (0.000062%); highest among the groups gnomAD compares: Admixed American, 0.0017%; no homozygotes.

Submission:

PreventionGenetics, part of Exact Sciences
Classification: Uncertain significance for JMJD1C-related condition. Last evaluated: 2024-11-22. Review status: criteria provided, single submitter. Criteria: ACMG Guidelines, 2015. Collection method: clinical testing. Allele origin: germline.
Comment: The JMJD1C c.5087G>A variant is predicted to result in the amino acid substitution p.Arg1696His. To our knowledge, this variant has not been reported in the literature or in a large population database (gnomAD), indicating this variant is rare. At this time, the clinical significance of this variant is uncertain due to the absence of conclusive functional and genetic evidence.